The following is an entry in ClinVar:

NM_001199107.2(TBC1D24):c.1143-6C>T

Gene: TBC1D24 (TBC1 domain family member 24; plus strand). Cytogenetic location: 16p13.3.
Variant type: single nucleotide variant.
Coding change: c.1143-6C>T on transcript NM_001199107.2 (MANE Select); 6 bases into the intron before coding-DNA position 1143, C replaced by T.
Molecular consequence: intron variant.
Genome position (GRCh38, 1-based): chr16:2,499,351, C>T. VCF-style: chr16-2499351-C-T. GRCh37 (hg19) VCF-style: chr16-2549352-C-T.
Other names: p.?; c.1125-6C>T (NM_020705.3).
Identifiers: ClinVar variation 130534 (VCV000130534.29), dbSNP rs73490287, ClinGen allele CA289056.

ClinVar aggregate classification (germline): Benign/Likely benign. Review status: criteria provided, multiple submitters, no conflicts (2 of 4 stars). 11 submissions from 11 submitters: Benign (7); Likely benign (1). 3 of the submissions do not count toward it. Last evaluated 2026-02-03.

Conditions:
Familial infantile myoclonic epilepsy (FIME). Also called: TBC1D24-Related Familial Infantile Myoclonic Epilepsy (FIME); Epilepsy, Myoclonic, Infantile. Identifiers: Orphanet 352582, MedGen C0917800, MONDO:0011506, OMIM 605021.
Autosomal recessive nonsyndromic hearing loss 86 (DFNB86). Also called: Deafness , autosomal recessive 86; TBC1D24-Related Autosomal Recessive Nonsyndromic Hearing Loss (DFNB). Identifiers: Orphanet 90636, MedGen C2829265, MONDO:0013826, OMIM 614617.
Rolandic epilepsy-paroxysmal exercise-induced dystonia-writer's cramp syndrome. Also called: TBC1D24-Related Rolandic Epilepsy with Paroxysmal Exercise-Induced Dystonia and Writer's Cramp (EPRPDC); RE-PED-WC. Identifiers: Orphanet 163727, MedGen C1842531, MONDO:0011970, OMIM 608105.
DOORS syndrome (DOORS). Also called: Digitorenocerebral syndrome; DOORS Syndrome (Deafness, Onychodystrophy, Osteodystrophy, Mental Retardation, and Seizures); ERONEN SYNDROME; DOOR SYNDROME; DRC SYNDROME; BRACHYDACTYLY DUE TO ABSENCE OF DISTAL PHALANGES. Identifiers: Orphanet 3231, Orphanet 79500, MedGen C0795934, MONDO:0009079, OMIM 220500. Disease mechanism: loss of function.
Developmental and epileptic encephalopathy, 16 (DEE16). Also called: TBC1D24-Related Developmental and Epileptic Encephalopathy (DEE); Early infantile epileptic encephalopathy 16. Identifiers: Orphanet 293181, Orphanet 352596, MedGen C3809173, MONDO:0014133, OMIM 615338.
Autosomal dominant nonsyndromic hearing loss 65. Also called: Deafness, autosomal dominant 65; TBC1D24-Related Autosomal Dominant Nonsyndromic Hearing Loss (DFNA). Identifiers: Orphanet 90635, MedGen C3892048, MONDO:0014470, OMIM 616044.
Developmental and epileptic encephalopathy, 1 (DEE1). Also called: X-linked infantile spasms; West's syndrome; Tonic spasms with clustering, arrest of psychomotor development and hypsarrhythmia on EEG; X-Linked Infantile Spasm Syndrome; OHTAHARA SYNDROME, X-LINKED; INFANTILE SPASM SYNDROME, X-LINKED 1. Identifiers: MedGen C3463992, MONDO:0010632, OMIM 308350. Disease mechanism: loss of function.

Allele frequency attached by ClinVar (database versions not stated): 1000 Genomes Project 30x 0.02077; TOPMed 0.02141; gnomAD 0.01919 and 0.02047; ESP Exome Variant Server 0.01988; 1000 Genomes Project 0.02057; ExAC 0.00690.
gnomAD v4.1: 5,926 of 1,612,266 alleles (0.37%); highest among the groups gnomAD compares: African/African-American, 6.6%; 178 homozygotes.

Submissions (11):

Labcorp Genetics (formerly Invitae), Labcorp
Classification: Benign for Developmental and epileptic encephalopathy, 1; Autosomal dominant nonsyndromic hearing loss 65. Last evaluated: 2026-02-03. Review status: criteria provided, single submitter. Criteria: Invitae Variant Classification Sherloc (09022015). Collection method: clinical testing. Allele origin: germline.

Mayo Clinic Laboratories, Mayo Clinic
Classification: Benign. Last evaluated: 2022-04-17. Review status: criteria provided, single submitter. Criteria: ACMG Guidelines, 2015. Collection method: clinical testing. Allele origin: germline. Observed: 12 variant alleles.

Fulgent Genetics
Classification: Likely benign for DOORS syndrome; Familial infantile myoclonic epilepsy; Rolandic epilepsy-paroxysmal exercise-induced dystonia-writer's cramp syndrome; Autosomal recessive nonsyndromic hearing loss 86; Developmental and epileptic encephalopathy, 16; Autosomal dominant nonsyndromic hearing loss 65. Last evaluated: 2021-11-19. Review status: criteria provided, single submitter. Criteria: ACMG Guidelines, 2015. Collection method: clinical testing. Allele origin: unknown.

Dubai Health Genomic Medicine Center, Dubai Health
Classification: Benign. Last evaluated: 2020-09-24. Review status: criteria provided, single submitter. Criteria: ACMG Guidelines, 2015. Collection method: clinical testing. Allele origin: germline. Affected: yes.

Illumina Laboratory Services, Illumina
Classification: Benign for Familial infantile myoclonic epilepsy. Last evaluated: 2018-01-13. Review status: criteria provided, single submitter. Criteria: ICSL Variant Classification Criteria 13 December 2019. Collection method: clinical testing. Allele origin: germline.
Comment: This variant was observed in the ICSL laboratory as part of a predisposition screen in an ostensibly healthy population. It had not been previously curated by ICSL or reported in the Human Gene Mutation Database (HGMD: prior to June 1st, 2018), and was therefore a candidate for classification through an automated scoring system. Utilizing variant allele frequency, disease prevalence and penetrance estimates, and inheritance mode, an automated score was calculated to assess if this variant is too frequent to cause the disease. Based on the score and internal cut-off values, a variant classified as benign is not then subjected to further curation. The score for this variant resulted in a classification of benign for this disease.

Laboratory for Molecular Medicine, Mass General Brigham Personalized Medicine
Classification: Benign. Last evaluated: 2015-01-13. Review status: criteria provided, single submitter. Criteria: LMM Criteria. Collection method: clinical testing. Allele origin: germline. Observed: 13 variant alleles.
Comment: c.1143-6C>T in intron 4 of TBC1D24: This variant is not expected to have clinica l significance because it has been identified in 5.9% (255/4332) of African Amer ican chromosomes from a broad population by the NHLBI Exome Sequencing Project (dbSNP rs73490287).

GeneDx
Classification: Benign. Last evaluated: 2013-12-19. Review status: criteria provided, single submitter. Criteria: GeneDx Variant Classification (06012015). Collection method: clinical testing. Allele origin: germline. Affected: yes.
Comment: This variant is considered likely benign or benign based on one or more of the following criteria: it is a conservative change, it occurs at a poorly conserved position in the protein, it is predicted to be benign by multiple in silico algorithms, and/or has population frequency not consistent with disease.

Breakthrough Genomics
Classification: Benign. Review status: criteria provided, single submitter. Criteria: ACMG Guidelines, 2015. Collection method: not provided. Allele origin: germline. Inheritance: Autosomal recessive inheritance. Affected: yes.

Clinical Genetics DNA and cytogenetics Diagnostics Lab, Erasmus MC, Erasmus Medical Center
Classification: Benign. Review status: no assertion criteria provided. Collection method: clinical testing. Allele origin: germline. Affected: yes. Study: VKGL Data-share Consensus. Not counted in ClinVar's aggregate classification.

Genetic Services Laboratory, University of Chicago
Classification: Likely benign for AllHighlyPenetrant. Review status: no assertion criteria provided. Collection method: clinical testing. Allele origin: germline. Inheritance: Autosomal recessive inheritance. Not counted in ClinVar's aggregate classification.
Comment: Likely benign based on allele frequency in 1000 Genomes Project or ESP global frequency and its presence in a patient with a rare or unrelated disease phenotype. NOT Sanger confirmed.

Genome Diagnostics Laboratory, University Medical Center Utrecht
Classification: Benign. Review status: no assertion criteria provided. Collection method: clinical testing. Allele origin: germline. Affected: yes. Study: VKGL Data-share Consensus. Not counted in ClinVar's aggregate classification.